The following is an entry in ClinVar:

ClinVar aggregate classification (germline): Benign/Likely benign. Review status: criteria provided, multiple submitters, no conflicts (2 of 4 stars). 4 submissions from 4 submitters: Benign (1); Likely benign (3). Last evaluated 2026-04-17.

Conditions:
DICER1-related tumor predisposition. Also called: DICER1-related pleuropulmonary blastoma cancer predisposition syndrome; DICER1 syndrome. Identifiers: Orphanet 284343, MedGen C3839822, MONDO:0100216.
Hereditary cancer-predisposing syndrome. Also called: Neoplastic Syndromes, Hereditary; Hereditary Cancer Syndrome; Hereditary neoplastic syndrome; Tumor predisposition. Identifiers: Orphanet 140162, MedGen C0027672, MeSH D009386, MONDO:0015356.

Submissions (4):

Myriad Genetics, Inc.
Classification: Benign for DICER1-related tumor predisposition. Last evaluated: 2026-04-17. Review status: criteria provided, single submitter. Criteria: Myriad Autosomal Dominant, Autosomal Recessive and X-Linked Classification Criteria (2023). Collection method: clinical testing. Allele origin: unknown.
Comment: This variant is considered benign. This variant is a silent/synonymous amino acid change and it is not expected to impact splicing.

Ambry Genetics
Classification: Likely benign for Hereditary cancer-predisposing syndrome. Last evaluated: 2025-12-16. Review status: criteria provided, single submitter. Criteria: Ambry Variant Classification Scheme 2023. Collection method: clinical testing. Allele origin: germline.

Labcorp Genetics (formerly Invitae), Labcorp
Classification: Likely benign for DICER1-related tumor predisposition. Last evaluated: 2024-10-10. Review status: criteria provided, single submitter. Criteria: Invitae Variant Classification Sherloc (09022015). Collection method: clinical testing. Allele origin: germline.

Quest Diagnostics Nichols Institute San Juan Capistrano
Classification: Likely benign. Last evaluated: 2022-11-22. Review status: criteria provided, single submitter. Criteria: Quest Diagnostics criteria. Collection method: clinical testing. Allele origin: unknown.

NM_177438.3(DICER1):c.4293T>C (p.Ala1431=)

Gene: DICER1 (dicer 1, ribonuclease III; minus strand). Cytogenetic location: 14q32.13.
Variant type: single nucleotide variant.
Coding change: c.4293T>C on transcript NM_177438.3 (MANE Select); coding-DNA position 4293, T replaced by C.
Protein change: p.Ala1431=; no amino-acid change (alanine 1431 retained).
Molecular consequence: synonymous variant.
Genome position (GRCh38, 1-based): chr14:95,096,627, A>G on the plus strand (T>C on the coding strand, the complement: DICER1 is on the minus strand). VCF-style: chr14-95096627-A-G. GRCh37 (hg19) VCF-style: chr14-95562964-A-G.
Other names: c.4293T>C, p.Ala1431= (NM_001195573.1, NM_001271282.3, NM_001291628.2 and 1 more transcripts).
Identifiers: ClinVar variation 543703 (VCV000543703.12), dbSNP rs1555367866, ClinGen allele CA487844295.
Genomic context (GRCh38, chr14:95,096,627, plus strand): 5'-TCTGATATGTTCCTGATCATACTCCAGGAAATCATCTTCATAGTCAGCCTCTTCCTTCGG[A>G]GCCCTCCACATCAGGCTCTCCTCCTCCTCATCCTCCTCCTCGTAATCCTCATCCAGTTTG-3'
Protein context (NP_803187.1, residues 1421-1441): DEEEESLMWR[Ala1431=]PKEEADYEDD